The following is an entry in ClinVar:

ClinVar aggregate classification (germline): Conflicting classifications of pathogenicity. Review status: criteria provided, conflicting classifications (1 of 4 stars). 5 submissions from 5 submitters: Uncertain significance (2); Likely benign (3). Last evaluated 2025-09-07.

Conditions:
Inborn genetic diseases. Identifiers: MedGen C0950123, MeSH D030342.
Episodic ataxia type 2 (EA2). Also called: ACETAZOLAMIDE-RESPONSIVE HEREDITARY PAROXYSMAL CEREBELLAR ATAXIA; ATAXIA, EPISODIC, WITH NYSTAGMUS; ATAXIA, FAMILIAL PAROXYSMAL; CEREBELLAR ATAXIA, PAROXYSMAL, ACETAZOLAMIDE-RESPONSIVE; CEREBELLOPATHY, HEREDITARY PAROXYSMAL; EPISODIC ATAXIA, NYSTAGMUS-ASSOCIATED. Identifiers: Orphanet 97, MedGen C1720416, MONDO:0007163, OMIM 108500.
Developmental and epileptic encephalopathy, 42 (DEE42A). Also called: Epileptic encephalopathy, early infantile, 42; EPILEPTIC ENCEPHALOPATHY, EARLY INFANTILE, 42A; DEVELOPMENTAL AND EPILEPTIC ENCEPHALOPATHY 42A. Identifiers: MedGen C4310716, MONDO:0014917, OMIM 617106.

Allele frequency attached by ClinVar (database versions not stated): gnomAD 0.00004 and 0.00006; TOPMed 0.00005; ExAC 0.00007; 1000 Genomes Project 30x 0.00016; 1000 Genomes Project 0.00020.
gnomAD v4.1: 153 of 1,613,520 alleles (0.0095%); highest among the groups gnomAD compares: Non-Finnish European, 0.011%; no homozygotes.

Submissions (5):

Labcorp Genetics (formerly Invitae), Labcorp
Classification: Likely benign for Developmental and epileptic encephalopathy, 42; Episodic ataxia type 2. Last evaluated: 2025-09-07. Review status: criteria provided, single submitter. Criteria: Invitae Variant Classification Sherloc (09022015). Collection method: clinical testing. Allele origin: germline.

CeGaT Center for Human Genetics Tuebingen
Classification: Uncertain significance. Last evaluated: 2024-08-01. Review status: criteria provided, single submitter. Criteria: CeGaT Center For Human Genetics Tuebingen Variant Classification Criteria Version 2. Collection method: clinical testing. Allele origin: germline. Affected: yes. Observed: 2 variant alleles.

Athena Diagnostics
Classification: Likely benign. Last evaluated: 2024-01-10. Review status: criteria provided, single submitter. Criteria: Athena Diagnostics Criteria. Collection method: clinical testing. Allele origin: unknown.

GeneDx
Classification: Likely benign. Last evaluated: 2020-07-06. Review status: criteria provided, single submitter. Criteria: GeneDx Variant Classification Process June 2021. Collection method: clinical testing. Allele origin: germline. Affected: yes.
Comment: This variant is associated with the following publications: (PMID: 28492532, 31719132)

Ambry Genetics
Classification: Uncertain significance for Inborn genetic diseases. Last evaluated: 2018-02-28. Review status: criteria provided, single submitter. Criteria: Ambry Variant Classification Scheme 2023. Collection method: clinical testing. Allele origin: germline.
Comment: The p.A1077T variant (also known as c.3229G>A), located in coding exon 20 of the CACNA1A gene, results from a G to A substitution at nucleotide position 3229. The alanine at codon 1077 is replaced by threonine, an amino acid with similar properties. This amino acid position is not well conserved in available vertebrate species. In addition, this alteration is predicted to be tolerated by in silico analysis. Since supporting evidence is limited at this time, the clinical significance of this alteration remains unclear.

Literature cited by the submitters: PubMed 31719132 (cited by Athena Diagnostics).

NM_001127222.2(CACNA1A):c.3226G>A (p.Ala1076Thr)

Gene: CACNA1A (calcium voltage-gated channel subunit alpha1 A; minus strand). Cytogenetic location: 19p13.13.
Variant type: single nucleotide variant.
Coding change: c.3226G>A on transcript NM_001127222.2 (MANE Select); coding-DNA position 3226, G replaced by A.
Protein change: p.Ala1076Thr; replaces alanine 1076 with threonine.
Molecular consequence: missense variant.
Genome position (GRCh38, 1-based): chr19:13,286,830, C>T on the plus strand (G>A on the coding strand, the complement: CACNA1A is on the minus strand). VCF-style: chr19-13286830-C-T. GRCh37 (hg19) VCF-style: chr19-13397644-C-T.
Other names: c.3238G>A, p.Ala1080Thr (NM_000068.4, NM_023035.3); c.3229G>A, p.Ala1077Thr (NM_001127221.2, NM_001174080.2); short protein forms A1077T, A1076T, A1080T.
Identifiers: ClinVar variation 429962 (VCV000429962.36), dbSNP rs554091859, ClinGen allele CA9240385.